The following is an entry in ClinVar:

NM_004086.3(COCH):c.82+64G>A

Gene: COCH (cochlin; plus strand). Cytogenetic location: 14q12.
Variant type: single nucleotide variant.
Coding change: c.82+64G>A on transcript NM_004086.3 (MANE Select); 64 bases into the intron after coding-DNA position 82, G replaced by A.
Molecular consequence: intron variant. On other transcripts: missense variant (1).
Genome position (GRCh38, 1-based): chr14:30,875,167, G>A. VCF-style: chr14-30875167-G-A. GRCh37 (hg19) VCF-style: chr14-31344373-G-A.
Other names: c.146G>A (NM_001347720.1); c.146G>A, p.Arg49Gln (NM_001347720.2); c.82+64G>A (NM_001135058.2); short protein forms R49Q.
Identifiers: ClinVar variation 1217827 (VCV001217827.6), dbSNP rs1124179, ClinGen allele CA258531439.
Genomic context (GRCh38, chr14:30,875,167, plus strand): 5'-AGTGGGGGAGCTGGGGTGCGTCCAGGCGGTCGCAGGGGCTGAGCACCAGCGGGTACAAGC[G>A]GGACTCAGATCCAGCCCCTTGGGCTTCAGCCCTACCGCCTGAGGAGGAAGGCGCGAAGGT-3'

ClinVar aggregate classification (germline): Likely benign. Review status: criteria provided, multiple submitters, no conflicts (2 of 4 stars). 4 submissions from 4 submitters: Likely benign (3). 1 of the submissions does not count toward it. Last evaluated 2024-11-25.

Conditions:
COCH-related disorder. Also called: COCH-related condition.

Allele frequency attached by ClinVar (database versions not stated): 1000 Genomes Project 30x 0.00297; 1000 Genomes Project 0.00300; gnomAD 0.00389 and 0.00423; TOPMed 0.00478.
gnomAD v4.1: 1,239 of 1,538,750 alleles (0.081%); highest among the groups gnomAD compares: African/African-American, 1.3%; 9 homozygotes.

Submissions (4):

Blueprint Genetics
Classification: Likely benign. Last evaluated: 2024-11-25. Review status: criteria provided, single submitter. Criteria: ACMG Guidelines, 2015. Collection method: clinical testing. Allele origin: germline.

GeneDx
Classification: Likely benign. Last evaluated: 2018-08-07. Review status: criteria provided, single submitter. Criteria: GeneDx Variant Classification Process June 2021. Collection method: clinical testing. Allele origin: germline. Affected: yes.

Breakthrough Genomics
Classification: Likely benign. Review status: criteria provided, single submitter. Criteria: ACMG Guidelines, 2015. Collection method: not provided. Allele origin: germline. Inheritance: Autosomal recessive inheritance. Affected: yes.

PreventionGenetics, part of Exact Sciences
Classification: Benign for COCH-related condition. Last evaluated: 2024-05-01. Review status: no assertion criteria provided. Collection method: clinical testing. Allele origin: germline. Not counted in ClinVar's aggregate classification.
Comment: This variant is classified as benign based on ACMG/AMP sequence variant interpretation guidelines (Richards et al. 2015 PMID: 25741868, with internal and published modifications).